The following is an entry in ClinVar:

ClinVar aggregate classification (germline): Benign (0 of 4 stars; one submission).

Conditions:
MYO9B-related disorder. Also called: MYO9B-related condition.

Allele frequency attached by ClinVar (database versions not stated): 1000 Genomes Project 0.00499; 1000 Genomes Project 30x 0.00562; TOPMed 0.00998; ExAC 0.01016; gnomAD 0.01069; ESP Exome Variant Server 0.01189; gnomAD exomes 0.01589.
gnomAD v4.1: 24,713 of 1,613,874 alleles (1.5%); highest among the groups gnomAD compares: Non-Finnish European, 1.9%; 264 homozygotes.

Submission:

PreventionGenetics, part of Exact Sciences
Classification: Benign for MYO9B-related condition. Last evaluated: 2019-05-16. Review status: no assertion criteria provided. Collection method: clinical testing. Allele origin: germline.
Comment: This variant is classified as benign based on ACMG/AMP sequence variant interpretation guidelines (Richards et al. 2015 PMID: 25741868, with internal and published modifications).

NM_004145.4(MYO9B):c.462C>T (p.Leu154=)

Gene: MYO9B (myosin IXB; plus strand). Cytogenetic location: 19p13.11.
Variant type: single nucleotide variant.
Coding change: c.462C>T on transcript NM_004145.4 (MANE Select); coding-DNA position 462, C replaced by T.
Protein change: p.Leu154=; no amino-acid change (leucine 154 retained).
Molecular consequence: synonymous variant.
Genome position (GRCh38, 1-based): chr19:17,102,179, C>T. VCF-style: chr19-17102179-C-T. GRCh37 (hg19) VCF-style: chr19-17212989-C-T.
Other names: c.462C>T, p.Leu154= (NM_001130065.2).
Identifiers: ClinVar variation 3037288 (VCV003037288.2), dbSNP rs117386912, ClinGen allele CA9286973.